The following is an entry in ClinVar:

NM_177438.3(DICER1):c.759T>G (p.Ile253Met)

Gene: DICER1 (dicer 1, ribonuclease III; minus strand). Cytogenetic location: 14q32.13.
Variant type: single nucleotide variant.
Coding change: c.759T>G on transcript NM_177438.3 (MANE Select); coding-DNA position 759, T replaced by G.
Protein change: p.Ile253Met; replaces isoleucine 253 with methionine.
Molecular consequence: missense variant. On other transcripts: 5 prime UTR variant (1), non-coding transcript variant (6).
Genome position (GRCh38, 1-based): chr14:95,126,724, A>C on the plus strand (T>G on the coding strand, the complement: DICER1 is on the minus strand). VCF-style: chr14-95126724-A-C. GRCh37 (hg19) VCF-style: chr14-95593061-A-C.
Other names: c.759T>G, p.Ile253Met (NM_001195573.1, NM_001271282.3, NM_001291628.2 and 14 more transcripts); c.477T>G, p.Ile159Met (NM_001395686.1); c.354T>G, p.Ile118Met (NM_001395687.1, NM_001395688.1, NM_001395689.1 and 3 more transcripts); c.192T>G, p.Ile64Met (NM_001395691.1); c.-810T>G (NM_001395697.1); short protein forms I64M, I118M, I159M, I253M.
Identifiers: ClinVar variation 4240471 (VCV004240471.1).

ClinVar aggregate classification (germline): Uncertain significance (1 of 4 stars; one submission).

Conditions:
Hereditary cancer-predisposing syndrome. Also called: Hereditary Cancer Syndrome; Hereditary neoplastic syndrome; Neoplastic Syndromes, Hereditary; Tumor predisposition. Identifiers: Orphanet 140162, MedGen C0027672, MeSH D009386, MONDO:0015356.

gnomAD v4.1: 1 of 1,611,180 alleles (0.000062%); no homozygotes.

Submission:

Ambry Genetics
Classification: Uncertain significance for Hereditary cancer-predisposing syndrome. Last evaluated: 2025-08-12. Review status: criteria provided, single submitter. Criteria: Ambry Variant Classification Scheme 2023. Collection method: clinical testing. Allele origin: germline.
Comment: The p.I253M variant (also known as c.759T>G), located in coding exon 6 of the DICER1 gene, results from a T to G substitution at nucleotide position 759. The isoleucine at codon 253 is replaced by methionine, an amino acid with highly similar properties. This amino acid position is conserved. In addition, this alteration is predicted to be tolerated by in silico analysis. Based on the available evidence, the clinical significance of this variant remains unclear.